The following is an entry in ClinVar:

ClinVar aggregate classification (germline): Uncertain significance (1 of 4 stars; one submission).

Conditions:
Candidiasis, familial, 9 (CANDF9). Identifiers: Orphanet 1334, MedGen C4225324, MONDO:0014642, OMIM 616445.

Submission:

Labcorp Genetics (formerly Invitae), Labcorp
Classification: Uncertain significance for Candidiasis, familial, 9. Last evaluated: 2023-02-03. Review status: criteria provided, single submitter. Criteria: Invitae Variant Classification Sherloc (09022015). Collection method: clinical testing. Allele origin: germline.
Comment: In summary, the available evidence is currently insufficient to determine the role of this variant in disease. Therefore, it has been classified as a Variant of Uncertain Significance. Algorithms developed to predict the effect of missense changes on protein structure and function are either unavailable or do not agree on the potential impact of this missense change (SIFT: "Deleterious"; PolyPhen-2: "Benign"; Align-GVGD: "Class C0"). This variant has not been reported in the literature in individuals affected with IL17RC-related conditions. This sequence change replaces lysine, which is basic and polar, with asparagine, which is neutral and polar, at codon 447 of the IL17RC protein (p.Lys447Asn). This variant is present in population databases (no rsID available, gnomAD no frequency).

NM_153460.4(IL17RC):c.1128G>C (p.Lys376Asn)

Gene: IL17RC (interleukin 17 receptor C; plus strand). Cytogenetic location: 3p25.3.
Variant type: single nucleotide variant.
Coding change: c.1128G>C on transcript NM_153460.4 (MANE Select); coding-DNA position 1128, G replaced by C.
Protein change: p.Lys376Asn; replaces lysine 376 with asparagine.
Molecular consequence: missense variant. On other transcripts: non-coding transcript variant (1).
Genome position (GRCh38, 1-based): chr3:9,929,869, G>C. VCF-style: chr3-9929869-G-C. GRCh37 (hg19) VCF-style: chr3-9971553-G-C.
Other names: c.1128G>C, p.Lys376Asn (NM_001203263.2); c.1077G>C, p.Lys359Asn (NM_001203264.2); c.1032G>C, p.Lys344Asn (NM_001203265.2, NM_001410711.1); c.1089G>C, p.Lys363Asn (NM_001367278.1); c.1008G>C, p.Lys336Asn (NM_001367279.1); c.1083G>C, p.Lys361Asn (NM_001367280.1, NM_032732.6); c.1341G>C, p.Lys447Asn (NM_153461.4); short protein forms K336N, K361N, K376N, K359N, K447N, K344N, K363N.
Identifiers: ClinVar variation 2988883 (VCV002988883.3), dbSNP rs1273940369, ClinGen allele CA351696443.
Genomic context (GRCh38, chr3:9,929,869, plus strand): 5'-TTTGCTTTTCTTAGTGGCCCTAACCATGGTCTCTTCCCAGCAGGTGAACAGCTCGGAGAA[G>C]CTGCAGCTGCAGGAGTGCTTGTGGGCTGGTGAGTTGGGCCTGGGGGCAGCTGGGGCAGGG-3'
Protein context (NP_703190.2, residues 366-386): NLCVQVNSSE[Lys376Asn]LQLQECLWAD